The following is an entry in ClinVar:

ClinVar aggregate classification (germline): Likely pathogenic (1 of 4 stars; one submission).

Conditions:
Pyruvate dehydrogenase E3 deficiency (DLDD). Also called: MAPLE SYRUP URINE DISEASE, TYPE III; DLD DEFICIENCY; E3 DEFICIENCY; Dihydrolipoamide Dehydrogenase E3 Deficiency; Dihydrolipoamide Dehydrogenase (E3) Deficiency; Lipoamide dehydrogenase deficiency, lactic acidosis due to. Identifiers: Orphanet 2394, Orphanet 765, MedGen C5574660, MONDO:0009529, OMIM 246900.

Submission:

Natera, Inc.
Classification: Likely pathogenic for Maple syrup urine disease type 3. Last evaluated: 2025-05-11. Review status: criteria provided, single submitter. Criteria: Natera Variant Classification Schema (03/2026). Collection method: clinical testing. Allele origin: germline.
Comment: The c.1265del variant in DLD is a frameshift variant predicted to shift the reading frame beginning at codon 422 and leads to a stop codon 18 codons downstream. This variant is expected to result in nonsense mediated decay, truncation, or a dysfunctional protein product. This variant is rare in the general population with a frequency below the threshold expected for the associated phenotype(s). Given the available evidence, this variant is classified as Likely Pathogenic.

NM_000108.5(DLD):c.1265del (p.Pro422fs)

Gene: DLD (dihydrolipoamide dehydrogenase; plus strand). Cytogenetic location: 7q31.1.
Variant type: Deletion.
Coding change: c.1265del on transcript NM_000108.5 (MANE Select); coding-DNA position 1265, one base deleted (C; older notation c.1265delC).
Protein change: p.Pro422fs; shifts the reading frame from proline 422.
Molecular consequence: frameshift variant.
Genome position (GRCh38, 1-based): chr7:107,917,952, C deleted; the last of 3 consecutive C bases (chr7:107,917,950-107,917,952); deleting any one gives the same sequence. VCF-style (leftmost placement, unchanged base first): chr7-107917949-TC-T. GRCh37 (hg19) VCF-style: chr7-107558394-TC-T.
Other names: c.968del, p.Pro323fs (NM_001289750.1); c.1196del, p.Pro399fs (NM_001289751.1); c.1121del, p.Pro374fs (NM_001289752.1); short protein forms P323fs, P374fs, P399fs, P422fs.
Identifiers: ClinVar variation 4065918 (VCV004065918.2).